The following is an entry in ClinVar:

NM_001999.4(FBN2):c.4721A>G (p.Asn1574Ser)

Gene: FBN2 (fibrillin 2; minus strand). Cytogenetic location: 5q23.3.
Variant type: single nucleotide variant.
Coding change: c.4721A>G on transcript NM_001999.4 (MANE Select); coding-DNA position 4721, A replaced by G.
Protein change: p.Asn1574Ser; replaces asparagine 1574 with serine.
Molecular consequence: missense variant.
Genome position (GRCh38, 1-based): chr5:128,312,792, T>C on the plus strand (A>G on the coding strand, the complement: FBN2 is on the minus strand). VCF-style: chr5-128312792-T-C. GRCh37 (hg19) VCF-style: chr5-127648484-T-C.
Other names: short protein forms N1574S.
Identifiers: ClinVar variation 3654705 (VCV003654705.2).
Genomic context (GRCh38, chr5:128,312,792, plus strand): 5'-TTGCAAGACAGACTCCCATCTCCTCGAGGTCCAAACTTCAGGTAGCAGTTGCCCACACGG[T>C]TGTCTGCAGAGCAACAAAGGAGCTTACAGTTGCCCTTGCTTACATAGTAAGGACTCCATT-3'
Protein context (NP_001990.2, residues 1564-1584): LNPTGVGCVD[Asn1574Ser]RVGNCYLKFG

ClinVar aggregate classification (germline): Uncertain significance (1 of 4 stars; one submission).

Conditions:
Congenital contractural arachnodactyly (CCA). Also called: BEALS SYNDROME; Arthrogryposis, distal, type 9; Beals-Hecht syndrome. Identifiers: Orphanet 115, MedGen C0220668, MONDO:0007363, OMIM 121050.

Submission:

Labcorp Genetics (formerly Invitae), Labcorp
Classification: Uncertain significance for Congenital contractural arachnodactyly. Last evaluated: 2024-06-18. Review status: criteria provided, single submitter. Criteria: Invitae Variant Classification Sherloc (09022015). Collection method: clinical testing. Allele origin: germline.
Comment: This sequence change replaces asparagine, which is neutral and polar, with serine, which is neutral and polar, at codon 1574 of the FBN2 protein (p.Asn1574Ser). This variant is not present in population databases (gnomAD no frequency). This missense change has been observed in individual(s) with clinical features of FBN2-related conditions (Invitae). Advanced modeling of protein sequence and biophysical properties (such as structural, functional, and spatial information, amino acid conservation, physicochemical variation, residue mobility, and thermodynamic stability) performed at Invitae indicates that this missense variant is not expected to disrupt FBN2 protein function with a negative predictive value of 80%. In summary, the available evidence is currently insufficient to determine the role of this variant in disease. Therefore, it has been classified as a Variant of Uncertain Significance.